The following is an entry in ClinVar:

NM_000179.3(MSH6):c.2795G>A (p.Gly932Asp)

Gene: MSH6 (mutS homolog 6; plus strand). Cytogenetic location: 2p16.3.
Variant type: single nucleotide variant.
Coding change: c.2795G>A on transcript NM_000179.3 (MANE Select); coding-DNA position 2795, G replaced by A.
Protein change: p.Gly932Asp; replaces glycine 932 with aspartic acid.
Molecular consequence: missense variant.
Genome position (GRCh38, 1-based): chr2:47,800,778, G>A. VCF-style: chr2-47800778-G-A. GRCh37 (hg19) VCF-style: chr2-48027917-G-A.
Other names: c.2405G>A, p.Gly802Asp (NM_001281492.2); c.1889G>A, p.Gly630Asp (NM_001281493.2, NM_001281494.2); short protein forms G932D, G630D, G802D.
Identifiers: ClinVar variation 187677 (VCV000187677.5), dbSNP rs786203914, ClinGen allele CA010919.

ClinVar aggregate classification (germline): Uncertain significance (1 of 4 stars; one submission).

Conditions:
Hereditary cancer-predisposing syndrome. Also called: Neoplastic Syndromes, Hereditary; Tumor predisposition; Hereditary Cancer Syndrome; Hereditary neoplastic syndrome. Identifiers: Orphanet 140162, MedGen C0027672, MeSH D009386, MONDO:0015356.

Submission:

Ambry Genetics
Classification: Uncertain significance for Hereditary cancer-predisposing syndrome. Last evaluated: 2022-08-02. Review status: criteria provided, single submitter. Criteria: Ambry Variant Classification Scheme 2023. Collection method: clinical testing. Allele origin: germline.
Comment: The p.G932D variant (also known as c.2795G>A), located in coding exon 4 of the MSH6 gene, results from a G to A substitution at nucleotide position 2795. The glycine at codon 932 is replaced by aspartic acid, an amino acid with similar properties. This amino acid position is highly conserved in available vertebrate species. In addition, this alteration is predicted to be deleterious by in silico analysis. Since supporting evidence is limited at this time, the clinical significance of this alteration remains unclear.